The following is an entry in ClinVar:

NM_000059.4(BRCA2):c.7590A>T (p.Gln2530His)

Gene: BRCA2 (BRCA2 DNA repair associated; plus strand). Cytogenetic location: 13q13.1.
Variant type: single nucleotide variant.
Coding change: c.7590A>T on transcript NM_000059.4 (MANE Select); coding-DNA position 7590, A replaced by T.
Protein change: p.Gln2530His; replaces glutamine 2530 with histidine.
Molecular consequence: missense variant.
Genome position (GRCh38, 1-based): chr13:32,356,582, A>T. VCF-style: chr13-32356582-A-T. GRCh37 (hg19) VCF-style: chr13-32930719-A-T.
Other names: short protein forms Q2530H.
Identifiers: ClinVar variation 630423 (VCV000630423.8), dbSNP rs786202429, ClinGen allele CA387743883.

ClinVar aggregate classification (germline): Conflicting classifications of pathogenicity. Review status: criteria provided, conflicting classifications (1 of 4 stars). 2 submissions from 2 submitters: Uncertain significance (1); Benign (1). Last evaluated 2025-05-21.

Conditions:
Hereditary cancer-predisposing syndrome. Also called: Tumor predisposition; Neoplastic Syndromes, Hereditary; Hereditary neoplastic syndrome; Hereditary Cancer Syndrome. Identifiers: Orphanet 140162, MedGen C0027672, MeSH D009386, MONDO:0015356.

Submissions (2):

Ambry Genetics
Classification: Benign for Hereditary cancer-predisposing syndrome. Last evaluated: 2025-05-21. Review status: criteria provided, single submitter. Criteria: Ambry Variant Classification Scheme 2023. Collection method: clinical testing. Allele origin: germline.

Color Diagnostics, LLC DBA Color Health
Classification: Uncertain significance for Hereditary cancer-predisposing syndrome. Last evaluated: 2023-12-05. Review status: criteria provided, single submitter. Criteria: ACMG Guidelines, 2015. Collection method: clinical testing. Allele origin: germline.
Comment: This missense variant replaces glutamine with histidine at codon 2530 of the BRCA2 protein. Computational prediction suggests that this variant may not impact protein structure and function (internally defined REVEL score threshold <= 0.5, PMID: 27666373). To our knowledge, functional studies have not been reported for this variant. This variant has not been reported in individuals affected with BRCA2-related disorders in the literature. This variant has not been identified in the general population by the Genome Aggregation Database (gnomAD). The available evidence is insufficient to determine the role of this variant in disease conclusively. Therefore, this variant is classified as a Variant of Uncertain Significance.